The following is an entry in ClinVar:

ClinVar aggregate classification (germline): Uncertain significance (1 of 4 stars; one submission).

Submission:

Labcorp Genetics (formerly Invitae), Labcorp
Classification: Uncertain significance. Last evaluated: 2025-10-05. Review status: criteria provided, single submitter. Criteria: Invitae Variant Classification Sherloc (09022015). Collection method: clinical testing. Allele origin: germline.
Comment: This sequence change falls in intron 22 of the ABCB11 gene. It does not directly change the encoded amino acid sequence of the ABCB11 protein. It affects a nucleotide within the consensus splice site. This variant is not present in population databases (gnomAD no frequency). This variant has not been reported in the literature in individuals affected with ABCB11-related conditions. Variants that disrupt the consensus splice site are a relatively common cause of aberrant splicing (PMID: 17576681, 9536098). Algorithms developed to predict the effect of sequence changes on RNA splicing suggest that this variant is not likely to affect RNA splicing. In summary, the available evidence is currently insufficient to determine the role of this variant in disease. Therefore, it has been classified as a Variant of Uncertain Significance.

Literature cited by the submitters: PubMed 17576681; PubMed 9536098.

NM_003742.4(ABCB11):c.2814+6C>T

Genes: ABCB11 (ATP binding cassette subfamily B member 11; minus strand), LOC126806400 (CDK7 strongly-dependent group 2 enhancer GRCh37_chr2:169791870-169793069; plus strand). Cytogenetic location: 2q31.1.
Variant type: single nucleotide variant.
Coding change: c.2814+6C>T on transcript NM_003742.4 (MANE Select); 6 bases into the intron after coding-DNA position 2814, C replaced by T.
Molecular consequence: intron variant.
Genome position (GRCh38, 1-based): chr2:168,936,224, G>A on the plus strand (C>T on the coding strand, the complement: ABCB11 is on the minus strand). VCF-style: chr2-168936224-G-A. GRCh37 (hg19) VCF-style: chr2-169792734-G-A.
Identifiers: ClinVar variation 4763017 (VCV004763017.1).